The following is an entry in ClinVar:

ClinVar aggregate classification (germline): Uncertain significance (1 of 4 stars; one submission).

Conditions:
Charcot-Marie-Tooth disease type 2. Also called: Charcot-Marie-Tooth type 2. Identifiers: Orphanet 64746, MedGen C0270914, MONDO:0018993.

Submission:

Labcorp Genetics (formerly Invitae), Labcorp
Classification: Uncertain significance for Charcot-Marie-Tooth disease type 2. Last evaluated: 2024-07-11. Review status: criteria provided, single submitter. Criteria: Invitae Variant Classification Sherloc (09022015). Collection method: clinical testing. Allele origin: germline.
Comment: This sequence change replaces asparagine, which is neutral and polar, with aspartic acid, which is acidic and polar, at codon 43 of the AARS protein (p.Asn43Asp). This variant is not present in population databases (gnomAD no frequency). This variant has not been reported in the literature in individuals affected with AARS-related conditions. Advanced modeling of protein sequence and biophysical properties (such as structural, functional, and spatial information, amino acid conservation, physicochemical variation, residue mobility, and thermodynamic stability) performed at Invitae indicates that this missense variant is expected to disrupt AARS protein function with a positive predictive value of 95%. In summary, the available evidence is currently insufficient to determine the role of this variant in disease. Therefore, it has been classified as a Variant of Uncertain Significance.

NM_001605.3(AARS1):c.127A>G (p.Asn43Asp)

Gene: AARS1 (alanyl-tRNA synthetase 1; minus strand). Cytogenetic location: 16q22.1.
Variant type: single nucleotide variant.
Coding change: c.127A>G on transcript NM_001605.3 (MANE Select); coding-DNA position 127, A replaced by G.
Protein change: p.Asn43Asp; replaces asparagine 43 with aspartic acid.
Molecular consequence: missense variant.
Genome position (GRCh38, 1-based): chr16:70,282,637, T>C on the plus strand (A>G on the coding strand, the complement: AARS1 is on the minus strand). VCF-style: chr16-70282637-T-C. GRCh37 (hg19) VCF-style: chr16-70316540-T-C.
Other names: short protein forms N43D.
Identifiers: ClinVar variation 3658879 (VCV003658879.2).